The following is an entry in ClinVar:

ClinVar aggregate classification (germline): Uncertain significance. Review status: criteria provided, multiple submitters, no conflicts (2 of 4 stars). 2 submissions from 2 submitters: Uncertain significance (2). Last evaluated 2024-09-23.

Conditions:
Epilepsy, childhood absence, susceptibility to, 6. Identifiers: Orphanet 64280, MedGen C2749872, MONDO:0012763, OMIM 611942.
Hyperaldosteronism, familial, type IV (HALD4). Also called: FH IV; ALDOSTERONISM, PRIMARY, AND HYPERTENSION. Identifiers: Orphanet 642671, MedGen C4310756, MONDO:0014875, OMIM 617027.
Idiopathic generalized epilepsy. Also called: Generalised epilepsy; EIG. Identifiers: MedGen C0270850, MONDO:0005579, OMIM 600669.

Allele frequency attached by ClinVar (database versions not stated): gnomAD exomes below 0.00001; gnomAD 0.00003; TOPMed 0.00003.
gnomAD v4.1: 6 of 1,612,238 alleles (0.00037%); highest among the groups gnomAD compares: African/African-American, 0.0053%; no homozygotes.

Submissions (2):

Labcorp Genetics (formerly Invitae), Labcorp
Classification: Uncertain significance for Idiopathic generalized epilepsy; Hyperaldosteronism, familial, type IV. Last evaluated: 2024-09-23. Review status: criteria provided, single submitter. Criteria: Invitae Variant Classification Sherloc (09022015). Collection method: clinical testing. Allele origin: germline.
Comment: This sequence change replaces alanine, which is neutral and non-polar, with threonine, which is neutral and polar, at codon 2267 of the CACNA1H protein (p.Ala2267Thr). This variant is not present in population databases (gnomAD no frequency). This variant has not been reported in the literature in individuals affected with CACNA1H-related conditions. ClinVar contains an entry for this variant (Variation ID: 1400580). Invitae Evidence Modeling of protein sequence and biophysical properties (such as structural, functional, and spatial information, amino acid conservation, physicochemical variation, residue mobility, and thermodynamic stability) indicates that this missense variant is not expected to disrupt CACNA1H protein function with a negative predictive value of 95%. In summary, the available evidence is currently insufficient to determine the role of this variant in disease. Therefore, it has been classified as a Variant of Uncertain Significance.

Fulgent Genetics
Classification: Uncertain significance for Epilepsy, childhood absence, susceptibility to, 6; Hyperaldosteronism, familial, type IV. Last evaluated: 2022-02-17. Review status: criteria provided, single submitter. Criteria: ACMG Guidelines, 2015. Collection method: clinical testing. Allele origin: unknown.

NM_021098.3(CACNA1H):c.6799G>A (p.Ala2267Thr)

Gene: CACNA1H (calcium voltage-gated channel subunit alpha1 H; plus strand). Cytogenetic location: 16p13.3.
Variant type: single nucleotide variant.
Coding change: c.6799G>A on transcript NM_021098.3 (MANE Select); coding-DNA position 6799, G replaced by A.
Protein change: p.Ala2267Thr; replaces alanine 2267 with threonine.
Molecular consequence: missense variant.
Genome position (GRCh38, 1-based): chr16:1,220,731, G>A. VCF-style: chr16-1220731-G-A. GRCh37 (hg19) VCF-style: chr16-1270731-G-A.
Other names: c.6781G>A, p.Ala2261Thr (NM_001005407.2); short protein forms A2267T, A2261T.
Identifiers: ClinVar variation 1400580 (VCV001400580.9), dbSNP rs1231529131, ClinGen allele CA394150698.
Genomic context (GRCh38, chr16:1,220,731, plus strand): 5'-AAGGGGGAGCGCTGGGGCCAGGCCTCCTGCCGGGCTGAGCACCTGACCGTCCCCAGCTTT[G>A]CCTTTGAGCCGCTGGACCTCGGGGTCCCCAGTGGAGACCCTTTCTTGGACGGTAGCCACA-3'
Protein context (NP_066921.2, residues 2257-2277): RAEHLTVPSF[Ala2267Thr]FEPLDLGVPS